The following is an entry in ClinVar:

ClinVar aggregate classification (germline): Benign. Review status: criteria provided, multiple submitters, no conflicts (2 of 4 stars). 13 submissions from 12 submitters: Benign (10). 3 of the submissions do not count toward it. Last evaluated 2026-02-04.

Conditions:
Brain small vessel disease 1 with or without ocular anomalies (BSVD1). Also called: BRAIN SMALL VESSEL DISEASE WITH HEMORRHAGE; PORENCEPHALY, TYPE 1, AUTOSOMAL DOMINANT; GOULD SYNDROME 1; Brain small vessel disease with or without ocular anomalies. Identifiers: Orphanet 2940, Orphanet 36383, Orphanet 99810, MedGen C4755307, MONDO:0008289, OMIM 175780.
Autosomal dominant familial hematuria-retinal arteriolar tortuosity-contractures syndrome. Also called: Angiopathy, hereditary, with nephropathy, aneurysms, and muscle cramps; Hereditary Angiopathy with Nephropathy, Aneurysms, and Muscle Cramps (HANAC) Syndrome. Identifiers: Orphanet 73229, MedGen C2673195, MONDO:0012726, OMIM 611773.

Allele frequency attached by ClinVar (database versions not stated): 1000 Genomes Project 30x 0.31590; 1000 Genomes Project 0.31809; ESP Exome Variant Server 0.33592; TOPMed 0.33693; gnomAD 0.33827; gnomAD exomes 0.36224.
gnomAD v4.1: 580,394 of 1,613,402 alleles (36%); highest among the groups gnomAD compares: Admixed American, 38%; 105,559 homozygotes.

Submissions (13):

Labcorp Genetics (formerly Invitae), Labcorp
Classification: Benign. Last evaluated: 2026-02-04. Review status: criteria provided, single submitter. Criteria: Invitae Variant Classification Sherloc (09022015). Collection method: clinical testing. Allele origin: germline.

Blueprint Genetics
Classification: Benign. Last evaluated: 2024-11-27. Review status: criteria provided, single submitter. Criteria: ACMG Guidelines, 2015. Collection method: clinical testing. Allele origin: germline.

Mayo Clinic Laboratories, Mayo Clinic
Classification: Benign. Last evaluated: 2022-04-26. Review status: criteria provided, single submitter. Criteria: ACMG Guidelines, 2015. Collection method: clinical testing. Allele origin: germline. Observed: 664 variant alleles.

Athena Diagnostics
Classification: Benign. Last evaluated: 2021-06-02. Review status: criteria provided, single submitter. Criteria: Athena Diagnostics criteria. Collection method: clinical testing. Allele origin: unknown.

Illumina Laboratory Services, Illumina
Classification: Benign for Brain small vessel disease 1 with or without ocular anomalies. Last evaluated: 2018-01-13. Review status: criteria provided, single submitter. Criteria: ICSL Variant Classification Criteria 13 December 2019. Collection method: clinical testing. Allele origin: germline.
Comment: This variant was observed in the ICSL laboratory as part of a predisposition screen in an ostensibly healthy population. It had not been previously curated by ICSL or reported in the Human Gene Mutation Database (HGMD: prior to June 1st, 2018), and was therefore a candidate for classification through an automated scoring system. Utilizing variant allele frequency, disease prevalence and penetrance estimates, and inheritance mode, an automated score was calculated to assess if this variant is too frequent to cause the disease. Based on the score and internal cut-off values, a variant classified as benign is not then subjected to further curation. The score for this variant resulted in a classification of benign for this disease.

Illumina Laboratory Services, Illumina
Classification: Benign for Autosomal dominant familial hematuria-retinal arteriolar tortuosity-contractures syndrome. Last evaluated: 2018-01-13. Review status: criteria provided, single submitter. Criteria: ICSL Variant Classification Criteria 13 December 2019. Collection method: clinical testing. Allele origin: germline.
Comment: the same text as in the submission from Illumina Laboratory Services, Illumina above.

GeneDx
Classification: Benign. Last evaluated: 2017-07-19. Review status: criteria provided, single submitter. Criteria: GeneDx Variant Classification (06012015). Collection method: clinical testing. Allele origin: germline. Affected: yes.
Comment: This variant is considered likely benign or benign based on one or more of the following criteria: it is a conservative change, it occurs at a poorly conserved position in the protein, it is predicted to be benign by multiple in silico algorithms, and/or has population frequency not consistent with disease.

Eurofins Ntd Llc (ga)
Classification: Benign. Last evaluated: 2017-02-17. Review status: criteria provided, single submitter. Criteria: EGL Classification Definitions 2015. Collection method: clinical testing. Allele origin: germline. Observed: 1 variant allele, 1 heterozygote.

Breakthrough Genomics
Classification: Benign. Review status: criteria provided, single submitter. Criteria: ACMG Guidelines, 2015. Collection method: not provided. Allele origin: germline. Inheritance: Autosomal dominant inheritance. Affected: yes.

PreventionGenetics, part of Exact Sciences
Classification: Benign. Review status: criteria provided, single submitter. Criteria: ACMG Guidelines, 2015. Collection method: clinical testing. Allele origin: germline.

Clinical Genetics DNA and cytogenetics Diagnostics Lab, Erasmus MC, Erasmus Medical Center
Classification: Benign. Review status: no assertion criteria provided. Collection method: clinical testing. Allele origin: germline. Affected: yes. Study: VKGL Data-share Consensus. Not counted in ClinVar's aggregate classification.

Diagnostic Laboratory, Department of Genetics, University Medical Center Groningen
Classification: Benign. Review status: no assertion criteria provided. Collection method: clinical testing. Allele origin: germline. Affected: yes. Study: VKGL Data-share Consensus. Not counted in ClinVar's aggregate classification.

Joint Genome Diagnostic Labs from Nijmegen and Maastricht, Radboudumc and MUMC+
Classification: Benign. Review status: no assertion criteria provided. Collection method: clinical testing. Allele origin: germline. Affected: yes. Study: VKGL Data-share Consensus. Not counted in ClinVar's aggregate classification.

NM_001845.6(COL4A1):c.3183G>A (p.Gly1061=)

Gene: COL4A1 (collagen type IV alpha 1 chain; minus strand). Cytogenetic location: 13q34.
Variant type: single nucleotide variant.
Coding change: c.3183G>A on transcript NM_001845.6 (MANE Select); coding-DNA position 3183, G replaced by A.
Protein change: p.Gly1061=; no amino-acid change (glycine 1061 retained).
Molecular consequence: synonymous variant.
Genome position (GRCh38, 1-based): chr13:110,175,233, C>T on the plus strand (G>A on the coding strand, the complement: COL4A1 is on the minus strand). VCF-style: chr13-110175233-C-T. GRCh37 (hg19) VCF-style: chr13-110827580-C-T.
Other names: p.Gly1061=.
Identifiers: ClinVar variation 258250 (VCV000258250.31), dbSNP rs874204, ClinGen allele CA7047366.